The following is an entry in ClinVar:

NM_001081.4(CUBN):c.69C>T (p.Gly23=)

Gene: CUBN (cubilin; minus strand). Cytogenetic location: 10p13.
Variant type: single nucleotide variant.
Coding change: c.69C>T on transcript NM_001081.4 (MANE Select); coding-DNA position 69, C replaced by T.
Protein change: p.Gly23=; no amino-acid change (glycine 23 retained).
Molecular consequence: synonymous variant.
Genome position (GRCh38, 1-based): chr10:17,129,697, G>A on the plus strand (C>T on the coding strand, the complement: CUBN is on the minus strand). VCF-style: chr10-17129697-G-A. GRCh37 (hg19) VCF-style: chr10-17171696-G-A.
Identifiers: ClinVar variation 2139489 (VCV002139489.6), dbSNP rs374802612, ClinGen allele CA5425804.

ClinVar aggregate classification (germline): Likely benign. Review status: criteria provided, single submitter (1 of 4 stars). 2 submissions from 2 submitters: Likely benign (1). 1 of the submissions does not count toward it. Last evaluated 2024-07-22.

Conditions:
CUBN-related disorder. Also called: CUBN-related condition.
Imerslund-Grasbeck syndrome. Also called: Megaloblastic anemia due to inborn errors of metabolism; Imerslund-Gräsbeck syndrome; ENTEROCYTE COBALAMIN MALABSORPTION; ENTEROCYTE INTRINSIC FACTOR RECEPTOR, DEFECT OF; PERNICIOUS ANEMIA, JUVENILE, DUE TO SELECTIVE INTESTINAL MALABSORPTION OF VITAMIN B12, WITH PROTEINURIA. Identifiers: Orphanet 35858, MedGen C4551825, MONDO:0009853.

Allele frequency attached by ClinVar (database versions not stated): gnomAD 0.00001; ExAC 0.00002; TOPMed 0.00002; ESP Exome Variant Server 0.00008.
gnomAD v4.1: 43 of 1,613,828 alleles (0.0027%); highest among the groups gnomAD compares: East Asian, 0.02%; no homozygotes.

Submissions (2):

Labcorp Genetics (formerly Invitae), Labcorp
Classification: Likely benign for Imerslund-Grasbeck syndrome. Last evaluated: 2024-07-22. Review status: criteria provided, single submitter. Criteria: Invitae Variant Classification Sherloc (09022015). Collection method: clinical testing. Allele origin: germline.

PreventionGenetics, part of Exact Sciences
Classification: Likely benign for CUBN-related condition. Last evaluated: 2019-12-09. Review status: no assertion criteria provided. Collection method: clinical testing. Allele origin: germline. Not counted in ClinVar's aggregate classification.
Comment: This variant is classified as likely benign based on ACMG/AMP sequence variant interpretation guidelines (Richards et al. 2015 PMID: 25741868, with internal and published modifications).